The following is an entry in ClinVar:

NM_001079802.2(FKTN):c.1149G>C (p.Gln383His)

Gene: FKTN (fukutin; plus strand). Cytogenetic location: 9q31.2.
Variant type: single nucleotide variant.
Coding change: c.1149G>C on transcript NM_001079802.2 (MANE Select); coding-DNA position 1149, G replaced by C.
Protein change: p.Gln383His; replaces glutamine 383 with histidine.
Molecular consequence: missense variant. On other transcripts: non-coding transcript variant (2).
Genome position (GRCh38, 1-based): chr9:105,620,038, G>C. VCF-style: chr9-105620038-G-C. GRCh37 (hg19) VCF-style: chr9-108382319-G-C.
Other names: c.1149G>C, p.Gln383His (NM_001198963.2, NM_001351496.2, NM_001351498.2 and 1 more transcripts); c.1080G>C, p.Gln360His (NM_001351497.2); c.753G>C, p.Gln251His (NM_001351499.2, NM_001351500.2, NM_001351501.2 and 1 more transcripts); short protein forms Q383H, Q251H, Q360H.
Identifiers: ClinVar variation 1733386 (VCV001733386.5), dbSNP rs1831565349, ClinGen allele CA374377934.
Genomic context (GRCh38, chr9:105,620,038, plus strand): 5'-AAAACTTGATGTTTTTTTCTTCTATGAAGAAACTGATCACATGTGGAATGGAGGCACTCA[G>C]GCCAAAACAGGAAAAAAATTCAAGTATGAATCAAATAAGTACTTATTTATAAAGGTACTA-3'
Protein context (NP_001073270.1, residues 373-393): ETDHMWNGGT[Gln383His]AKTGKKFKYL

ClinVar aggregate classification (germline): Uncertain significance. Review status: criteria provided, multiple submitters, no conflicts (2 of 4 stars). 3 submissions from 3 submitters: Uncertain significance (3). Last evaluated 2022-09-21.

Conditions:
Cardiovascular phenotype. Identifiers: MedGen CN230736.
Walker-Warburg congenital muscular dystrophy. Also called: Muscular dystrophy-dystroglycanopathy, type A; Walker-Warburg syndrome. Identifiers: Orphanet 899, MedGen C0265221, MONDO:0000171.

Submissions (3):

GeneDx
Classification: Uncertain significance. Last evaluated: 2022-09-21. Review status: criteria provided, single submitter. Criteria: GeneDx Variant Classification Process June 2021. Collection method: clinical testing. Allele origin: germline. Affected: yes.
Comment: Not observed at significant frequency in large population cohorts (gnomAD); In silico analysis supports that this missense variant has a deleterious effect on protein structure/function; Has not been previously published as pathogenic or benign to our knowledge

Labcorp Genetics (formerly Invitae), Labcorp
Classification: Uncertain significance for Walker-Warburg congenital muscular dystrophy. Last evaluated: 2022-08-21. Review status: criteria provided, single submitter. Criteria: Invitae Variant Classification Sherloc (09022015). Collection method: clinical testing. Allele origin: germline.
Comment: This sequence change replaces glutamine, which is neutral and polar, with histidine, which is basic and polar, at codon 383 of the FKTN protein (p.Gln383His). This variant is not present in population databases (gnomAD no frequency). This variant has not been reported in the literature in individuals affected with FKTN-related conditions. Algorithms developed to predict the effect of missense changes on protein structure and function are either unavailable or do not agree on the potential impact of this missense change (SIFT: "Deleterious"; PolyPhen-2: "Probably Damaging"; Align-GVGD: "Class C0"). In summary, the available evidence is currently insufficient to determine the role of this variant in disease. Therefore, it has been classified as a Variant of Uncertain Significance.

Ambry Genetics
Classification: Uncertain significance for Cardiovascular phenotype. Last evaluated: 2019-12-19. Review status: criteria provided, single submitter. Criteria: Ambry Variant Classification Scheme 2023. Collection method: clinical testing. Allele origin: germline.
Comment: The p.Q383H variant (also known as c.1149G>C), located in coding exon 8 of the FKTN gene, results from a G to C substitution at nucleotide position 1149. The glutamine at codon 383 is replaced by histidine, an amino acid with highly similar properties. This amino acid position is highly conserved in available vertebrate species. In addition, this alteration is predicted to be deleterious by in silico analysis. Since supporting evidence is limited at this time, the clinical significance of this alteration remains unclear.